The following is an entry in ClinVar:

ClinVar aggregate classification (germline): Uncertain significance (1 of 4 stars; one submission).

Allele frequency attached by ClinVar (database versions not stated): gnomAD exomes below 0.00001.
gnomAD v4.1: 3 of 1,613,994 alleles (0.00019%); highest among the groups gnomAD compares: Non-Finnish European, 0.00025%; no homozygotes.

Submission:

Labcorp Genetics (formerly Invitae), Labcorp
Classification: Uncertain significance. Last evaluated: 2023-11-11. Review status: criteria provided, single submitter. Criteria: Invitae Variant Classification Sherloc (09022015). Collection method: clinical testing. Allele origin: germline.
Comment: This sequence change replaces alanine, which is neutral and non-polar, with serine, which is neutral and polar, at codon 465 of the EMC1 protein (p.Ala465Ser). This variant is not present in population databases (gnomAD no frequency). This variant has not been reported in the literature in individuals affected with EMC1-related conditions. Advanced modeling of protein sequence and biophysical properties (such as structural, functional, and spatial information, amino acid conservation, physicochemical variation, residue mobility, and thermodynamic stability) performed at Invitae indicates that this missense variant is not expected to disrupt EMC1 protein function with a negative predictive value of 80%. In summary, the available evidence is currently insufficient to determine the role of this variant in disease. Therefore, it has been classified as a Variant of Uncertain Significance.

NM_015047.3(EMC1):c.1393G>T (p.Ala465Ser)

Genes: EMC1 (ER membrane protein complex subunit 1; minus strand), EMC1-AS1 (EMC1 antisense RNA 1; plus strand). Cytogenetic location: 1p36.13.
Variant type: single nucleotide variant.
Coding change: c.1393G>T on transcript NM_015047.3 (MANE Select); coding-DNA position 1393, G replaced by T.
Protein change: p.Ala465Ser; replaces alanine 465 with serine.
Molecular consequence: missense variant.
Genome position (GRCh38, 1-based): chr1:19,235,169, C>A on the plus strand (G>T on the coding strand, the complement: EMC1 is on the minus strand). VCF-style: chr1-19235169-C-A. GRCh37 (hg19) VCF-style: chr1-19561663-C-A.
Other names: c.1390G>T, p.Ala464Ser (NM_001271427.2, NM_001271428.2, NM_001375821.1); c.1327G>T, p.Ala443Ser (NM_001271429.2); c.1393G>T, p.Ala465Ser (NM_001375820.1); short protein forms A464S, A465S, A443S.
Identifiers: ClinVar variation 2808796 (VCV002808796.3), dbSNP rs2536746490, ClinGen allele CA338764003.